The following is an entry in ClinVar:

NM_000540.3(RYR1):c.3688C>T (p.Gln1230Ter)

Gene: RYR1 (ryanodine receptor 1; plus strand). Cytogenetic location: 19q13.2.
Variant type: single nucleotide variant.
Coding change: c.3688C>T on transcript NM_000540.3 (MANE Select); coding-DNA position 3688, C replaced by T.
Protein change: p.Gln1230Ter; replaces glutamine 1230 with a stop codon.
Molecular consequence: nonsense.
Genome position (GRCh38, 1-based): chr19:38,469,436, C>T. VCF-style: chr19-38469436-C-T. GRCh37 (hg19) VCF-style: chr19-38960076-C-T.
Other names: c.3688C>T, p.Gln1230Ter (NM_001042723.2); short protein forms Q1230*.
Identifiers: ClinVar variation 478224 (VCV000478224.10), dbSNP rs1186905126, ClinGen allele CA405639626.

ClinVar aggregate classification (germline): Conflicting classifications of pathogenicity. Review status: criteria provided, conflicting classifications (1 of 4 stars). 3 submissions from 3 submitters: Pathogenic (1); Likely pathogenic (1); Uncertain significance (1). Last evaluated 2026-02-14.

Conditions:
RYR1-related disorder. Also called: RYR1-related condition; RYR1-related disorders. Identifiers: MedGen CN239331.
Malignant hyperthermia, susceptibility to, 1 (MHS1). Also called: RYR1-Related Malignant Hyperthermia Susceptibility; Malignant hyperthermia suceptibility 1; Anesthesia related hyperthermia; Malignant hyperpyrexia; Fulminating hyperpyrexia; Pharmacogenic myopathy. Identifiers: Orphanet 423, MedGen C2930980, MONDO:0007783, OMIM 145600.

Allele frequency attached by ClinVar (database versions not stated): gnomAD exomes below 0.00001; TOPMed below 0.00001; gnomAD 0.00001.
gnomAD v4.1: 4 of 1,613,986 alleles (0.00025%); highest among the groups gnomAD compares: Non-Finnish European, 0.00034%; no homozygotes.

Submissions (3):

PreventionGenetics, part of Exact Sciences
Classification: Likely pathogenic for RYR1-related condition. Last evaluated: 2026-02-14. Review status: criteria provided, single submitter. Criteria: ACMG Guidelines, 2015. Collection method: clinical testing. Allele origin: germline.
Comment: The RYR1 c.3688C>T variant is predicted to result in premature protein termination (p.Gln1230*). To our knowledge, this variant has not been reported in the literature. This variant is present in 0.0065% of alleles in individuals of European (Non-Finnish) descent in gnomAD. Nonsense variants in RYR1 are an established mechanism of autosomal recessive disease. This variant is interpreted as likely pathogenic for autosomal recessive RYR1-related myopathy.

Labcorp Genetics (formerly Invitae), Labcorp
Classification: Pathogenic for RYR1-related disorder. Last evaluated: 2026-01-02. Review status: criteria provided, single submitter. Criteria: Invitae Variant Classification Sherloc (09022015). Collection method: clinical testing. Allele origin: germline.
Comment: This sequence change creates a premature translational stop signal (p.Gln1230*) in the RYR1 gene. It is expected to result in an absent or disrupted protein product. Loss-of-function variants in RYR1 are known to be pathogenic (PMID: 23919265, 25960145, 28818389, 30611313). This variant is present in population databases (no rsID available, gnomAD 0.007%). This variant has not been reported in the literature in individuals affected with RYR1-related conditions. ClinVar contains an entry for this variant (Variation ID: 478224). For these reasons, this variant has been classified as Pathogenic.

All of Us Research Program, National Institutes of Health
Classification: Uncertain significance for Malignant hyperthermia, susceptibility to, 1. Last evaluated: 2023-05-04. Review status: criteria provided, single submitter. Criteria: ACMG Guidelines, 2015. Collection method: clinical testing. Allele origin: germline. Inheritance: Autosomal dominant inheritance. Observed: 1 variant allele, 1 heterozygote.
Comment: This variant changes 1 nucleotide in exon 27 of the RYR1 gene, creating a premature translation stop signal. This variant is expected to result in an absent or non-functional protein product. This variant has not been reported in individuals affected with malignant hyperthermia susceptibility in the literature. This variant has been identified in 1/31388 chromosomes in the general population by the Genome Aggregation Database (gnomAD). Loss of RYR1 function due to truncation variants is not an established disease mechanism for autosomal dominant malignant hyperthermia, although it is associated with other phenotype(s) (ClinVar Variation ID: 478224). Due to insufficient evidence, this variant is classified as a Variant of Uncertain Significance for autosomal dominant malignant hyperthermia.

This study involves interpretation of variants in research participants for the purpose of population health screening. Participant phenotype was not available at the time of variant classification. Additional details can be found in publication PMID: 35346344, PMCID: PMC8962531

Literature cited by the submitters: PubMed 23919265 (cited by Labcorp Genetics (formerly Invitae), Labcorp); PubMed 25960145 (cited by Labcorp Genetics (formerly Invitae), Labcorp); PubMed 28818389 (cited by Labcorp Genetics (formerly Invitae), Labcorp); PubMed 30611313 (cited by Labcorp Genetics (formerly Invitae), Labcorp).